The following is an entry in ClinVar:

ClinVar aggregate classification (germline): Uncertain significance (1 of 4 stars; one submission).

Allele frequency attached by ClinVar (database versions not stated): gnomAD exomes 0.00001 and 0.00002; TOPMed 0.00002; gnomAD 0.00003.
gnomAD v4.1: 17 of 1,591,030 alleles (0.0011%); highest among the groups gnomAD compares: Non-Finnish European, 0.0012%; no homozygotes.

Submission:

Labcorp Genetics (formerly Invitae), Labcorp
Classification: Uncertain significance. Last evaluated: 2022-10-24. Review status: criteria provided, single submitter. Criteria: Invitae Variant Classification Sherloc (09022015). Collection method: clinical testing. Allele origin: germline.
Comment: The frequency data for this variant in the population databases is considered unreliable, as metrics indicate poor data quality at this position in the gnomAD database. This sequence change replaces phenylalanine, which is neutral and non-polar, with isoleucine, which is neutral and non-polar, at codon 96 of the XRCC4 protein (p.Phe96Ile). This variant has not been reported in the literature in individuals affected with XRCC4-related conditions. In summary, the available evidence is currently insufficient to determine the role of this variant in disease. Therefore, it has been classified as a Variant of Uncertain Significance. Advanced modeling of protein sequence and biophysical properties (such as structural, functional, and spatial information, amino acid conservation, physicochemical variation, residue mobility, and thermodynamic stability) performed at Invitae indicates that this missense variant is not expected to disrupt XRCC4 protein function. ClinVar contains an entry for this variant (Variation ID: 1481571).

NM_003401.5(XRCC4):c.286T>A (p.Phe96Ile)

Gene: XRCC4 (X-ray repair cross complementing 4; plus strand). Cytogenetic location: 5q14.2.
Variant type: single nucleotide variant.
Coding change: c.286T>A on transcript NM_003401.5 (MANE Select); coding-DNA position 286, T replaced by A.
Protein change: p.Phe96Ile; replaces phenylalanine 96 with isoleucine.
Molecular consequence: missense variant.
Genome position (GRCh38, 1-based): chr5:83,111,174, T>A. VCF-style: chr5-83111174-T-A. GRCh37 (hg19) VCF-style: chr5-82406993-T-A.
Other names: c.286T>A, p.Phe96Ile (NM_001318012.3, NM_001318013.2, NM_022406.5 and 1 more transcripts); short protein forms F96I.
Identifiers: ClinVar variation 1481571 (VCV001481571.8), dbSNP rs1184763400, ClinGen allele CA360357155.